The following is an entry in ClinVar:

ClinVar aggregate classification (germline): Uncertain significance (1 of 4 stars; one submission).

Submission:

Ambry Genetics
Classification: Uncertain significance. Last evaluated: 2022-01-02. Review status: criteria provided, single submitter. Criteria: Ambry Variant Classification Scheme 2023. Collection method: clinical testing. Allele origin: germline.
Comment: The p.K224N variant (also known as c.672A>T), located in coding exon 4 of the MNDA gene, results from an A to T substitution at nucleotide position 672. The lysine at codon 224 is replaced by asparagine, an amino acid with similar properties. This amino acid position is conserved. In addition, this alteration is predicted to be tolerated by in silico analysis. Since supporting evidence is limited at this time, the clinical significance of this alteration remains unclear.

NM_002432.3(MNDA):c.672A>T (p.Lys224Asn)

Gene: MNDA (myeloid cell nuclear differentiation antigen; plus strand). Cytogenetic location: 1q23.1.
Variant type: single nucleotide variant.
Coding change: c.672A>T on transcript NM_002432.3 (MANE Select); coding-DNA position 672, A replaced by T.
Protein change: p.Lys224Asn; replaces lysine 224 with asparagine.
Molecular consequence: missense variant.
Genome position (GRCh38, 1-based): chr1:158,845,688, A>T. VCF-style: chr1-158845688-A-T. GRCh37 (hg19) VCF-style: chr1-158815478-A-T.
Other names: short protein forms K224N.
Identifiers: ClinVar variation 1755112 (VCV001755112.2), dbSNP rs2526087444, ClinGen allele CA343041006.